The following is an entry in ClinVar:

NM_001039141.3(TRIOBP):c.1534_1542del (p.Ala512_Arg514del)

Gene: TRIOBP (TRIO and F-actin binding protein; plus strand). Cytogenetic location: 22q13.1.
Variant type: Deletion.
Coding change: c.1534_1542del on transcript NM_001039141.3 (MANE Select); coding-DNA positions 1534 to 1542, 9 bases deleted (GCCTCCAGA; older notation c.1534_1542delGCCTCCAGA).
Protein change: p.Ala512_Arg514del.
Molecular consequence: inframe deletion.
Genome position (GRCh38, 1-based): chr22:37,724,090-37,724,098, GCCTCCAGA deleted; deleting any 9 consecutive bases within chr22:37,724,085-37,724,098 gives the same sequence; the c. name uses the placement nearest the transcript's 3' end. VCF-style (leftmost placement, unchanged base first): chr22-37724084-CCCAGAGCCT-C. GRCh37 (hg19) VCF-style: chr22-38120091-CCCAGAGCCT-C.
Identifiers: ClinVar variation 1362341 (VCV001362341.6), dbSNP rs1460459635, ClinGen allele CA752912454.
Genomic context (GRCh38, chr22:37,724,084, plus strand): 5'-TCCTCTCCCAGTAGAGCTACACGAGACAACCCCACAACATCCTGTGCCCAGCGGGACAAT[CCCAGAGCCT>C]CCAGAACCTCCTCTCCCAATAGAGCCACACGAGACAACCCCAGAACATCCTGCGCCCAGC-3'

ClinVar aggregate classification (germline): Uncertain significance (1 of 4 stars; one submission).

Submission:

Labcorp Genetics (formerly Invitae), Labcorp
Classification: Uncertain significance. Last evaluated: 2022-02-19. Review status: criteria provided, single submitter. Criteria: Invitae Variant Classification Sherloc (09022015). Collection method: clinical testing. Allele origin: germline.
Comment: In summary, the available evidence is currently insufficient to determine the role of this variant in disease. Therefore, it has been classified as a Variant of Uncertain Significance. Experimental studies and prediction algorithms are not available or were not evaluated, and the functional significance of this variant is currently unknown. This variant has not been reported in the literature in individuals affected with TRIOBP-related conditions. This variant is not present in population databases (gnomAD no frequency). This variant, c.1534_1542del, results in the deletion of 3 amino acid(s) of the TRIOBP protein (p.Ala512_Arg514del), but otherwise preserves the integrity of the reading frame.